The following is an entry in ClinVar:

NM_003073.5(SMARCB1):c.36del (p.Lys13fs)

Gene: SMARCB1 (SWI/SNF related BAF chromatin remodeling complex subunit B1; plus strand). Cytogenetic location: 22q11.23.
Variant type: Deletion.
Coding change: c.36del on transcript NM_003073.5 (MANE Select); coding-DNA position 36, one base deleted (G; older notation c.36delG).
Protein change: p.Lys13fs; shifts the reading frame from lysine 13.
Molecular consequence: frameshift variant.
Genome position (GRCh38, 1-based): chr22:23,787,205, G deleted. VCF-style (leftmost placement, unchanged base first): chr22-23787204-AG-A. GRCh37 (hg19) VCF-style: chr22-24129391-AG-A.
Other names: c.36del, p.Lys13fs (NM_001007468.3, NM_001317946.2, NM_001362877.2); short protein forms K13fs.
Identifiers: ClinVar variation 3655446 (VCV003655446.2).

ClinVar aggregate classification (germline): Pathogenic (1 of 4 stars; one submission).

Submission:

Labcorp Genetics (formerly Invitae), Labcorp
Classification: Pathogenic. Last evaluated: 2024-06-04. Review status: criteria provided, single submitter. Criteria: Invitae Variant Classification Sherloc (09022015). Collection method: clinical testing. Allele origin: germline.
Comment: This sequence change creates a premature translational stop signal (p.Lys13Serfs*3) in the SMARCB1 gene. It is expected to result in an absent or disrupted protein product. Loss-of-function variants in SMARCB1 are known to be pathogenic (PMID: 10521299, 21208904). This variant is not present in population databases (gnomAD no frequency). This premature translational stop signal has been observed in individual(s) with malignant peripheral nerve sheath tumors (PMID: 24933152). For these reasons, this variant has been classified as Pathogenic.

Literature cited by the submitters: PubMed 10521299; PubMed 21208904; PubMed 24933152.